The following is an entry in ClinVar:

ClinVar aggregate classification (germline): Uncertain significance (1 of 4 stars; one submission).

Allele frequency attached by ClinVar (database versions not stated): gnomAD exomes 0.00001.
gnomAD v4.1: 13 of 1,614,018 alleles (0.00081%); highest among the groups gnomAD compares: Non-Finnish European, 0.0011%; no homozygotes.

Submission:

Labcorp Genetics (formerly Invitae), Labcorp
Classification: Uncertain significance. Last evaluated: 2026-01-27. Review status: criteria provided, single submitter. Criteria: Invitae Variant Classification Sherloc (09022015). Collection method: clinical testing. Allele origin: germline.
Comment: This sequence change replaces serine, which is neutral and polar, with isoleucine, which is neutral and non-polar, at codon 441 of the MTMR14 protein (p.Ser441Ile). This variant is present in population databases (no rsID available, gnomAD 0.0009%). This variant has not been reported in the literature in individuals affected with MTMR14-related conditions. ClinVar contains an entry for this variant (Variation ID: 2854711). Invitae Evidence Modeling of protein sequence and biophysical properties (such as structural, functional, and spatial information, amino acid conservation, physicochemical variation, residue mobility, and thermodynamic stability) indicates that this missense variant is not expected to disrupt MTMR14 protein function with a negative predictive value of 80%. In summary, the available evidence is currently insufficient to determine the role of this variant in disease. Therefore, it has been classified as a Variant of Uncertain Significance.

NM_001077525.3(MTMR14):c.1322G>T (p.Ser441Ile)

Gene: MTMR14 (myotubularin related protein 14; plus strand). Cytogenetic location: 3p25.3.
Variant type: single nucleotide variant.
Coding change: c.1322G>T on transcript NM_001077525.3 (MANE Select); coding-DNA position 1322, G replaced by T.
Protein change: p.Ser441Ile; replaces serine 441 with isoleucine.
Molecular consequence: missense variant. On other transcripts: non-coding transcript variant (9).
Genome position (GRCh38, 1-based): chr3:9,688,971, G>T. VCF-style: chr3-9688971-G-T. GRCh37 (hg19) VCF-style: chr3-9730655-G-T.
Other names: c.680G>T, p.Ser227Ile (NM_001400541.1, NM_001400542.1, NM_001400543.1 and 7 more transcripts); c.461G>T, p.Ser154Ile (NM_001400544.1, NM_001400547.1, NM_001400548.1 and 1 more transcripts); c.605G>T, p.Ser202Ile (NM_001400549.1, NM_001400538.1); c.1322G>T, p.Ser441Ile (NM_001077526.3, NM_022485.5); c.1391G>T, p.Ser464Ile (NM_001400518.1, NM_001400521.1); c.1319G>T, p.Ser440Ile (NM_001400519.1, NM_001400522.1); c.1247G>T, p.Ser416Ile (NM_001400520.1, NM_001400523.1, NM_001400528.1); c.1076G>T, p.Ser359Ile (NM_001400524.1, NM_001400527.1, NM_001400530.1); and 5 more; short protein forms S358I, S439I, S441I, S202I, S347I, S359I, S154I, S227I.
Identifiers: ClinVar variation 2854711 (VCV002854711.3), dbSNP rs1301456662, ClinGen allele CA351698420.